The following is an entry in ClinVar:

NM_007294.4(BRCA1):c.5460C>T (p.Gly1820=)

Gene: BRCA1 (BRCA1 DNA repair associated; minus strand). Cytogenetic location: 17q21.31.
Variant type: single nucleotide variant.
Coding change: c.5460C>T on transcript NM_007294.4 (MANE Select); coding-DNA position 5460, C replaced by T.
Protein change: p.Gly1820=; no amino-acid change (glycine 1820 retained).
Molecular consequence: synonymous variant. On other transcripts: missense variant (17).
Genome position (GRCh38, 1-based): chr17:43,047,650, G>A on the plus strand (C>T on the coding strand, the complement: BRCA1 is on the minus strand). VCF-style: chr17-43047650-G-A. GRCh37 (hg19) VCF-style: chr17-41199667-G-A.
Other names: c.5247C>T, p.Gly1749= (NM_001407898.1, NM_001407899.1, NM_001407900.1 and 12 more transcripts); c.5244C>T, p.Gly1748= (NM_001407915.1, NM_001407916.1, NM_001407917.1 and 1 more transcripts); c.5208C>T, p.Gly1736= (NM_001407919.1); c.5196C>T, p.Gly1732= (NM_001407920.1, NM_001407921.1, NM_001407922.1 and 4 more transcripts); c.5193C>T, p.Gly1731= (NM_001407927.1, NM_001407928.1, NM_001407929.1 and 4 more transcripts); c.5190C>T, p.Gly1730= (NM_001407934.1, NM_001407935.1, NM_001407936.1); c.5263C>T, p.Leu1755Phe (NM_001407937.1, NM_001407938.1); c.5260C>T, p.Leu1754Phe (NM_001407939.1, NM_001407940.1); and 83 more; short protein forms L692F, L1754F, L1795F, L1753F, L1755F, L1796F, L691F, L1748F.
Identifiers: ClinVar variation 865549 (VCV000865549.11), dbSNP rs2050978337, ClinGen allele CA10590448.
Genomic context (GRCh38, chr17:43,047,650, plus strand): 5'-CCAAACCCATGCAAAAGGACCCCATATAGCACAGGTACATGCAGGCACCTTACCATGGAA[G>A]CCATTGTCCTCTGTCCAGGCATCTGGCTGCACAACCACAATTGGGTGGACACCCTGGATC-3'
Protein context (NP_009225.1, residues 1810-1830): VQPDAWTEDN[Gly1820=]FHAIGQMCEA

ClinVar aggregate classification (germline): Likely benign (1 of 4 stars; one submission).

Conditions:
Hereditary breast ovarian cancer syndrome. Also called: Hereditary breast and/or ovarian cancer syndrome; BRCA1- and BRCA2-Associated Hereditary Breast and Ovarian Cancer; Hereditary breast and ovarian cancer syndrome; Hereditary breast and ovarian cancer; Hereditary breast and ovarian cancer syndrome (HBOC); Breast and ovarian cancer. Identifiers: Orphanet 145, MedGen C0677776, MeSH D061325, MONDO:0003582. Disease mechanism: loss of function.

Submissions (2):

Labcorp Genetics (formerly Invitae), Labcorp
Classification: Likely benign for Hereditary breast ovarian cancer syndrome. Last evaluated: 2022-07-19. Review status: criteria provided, single submitter. Criteria: Invitae Variant Classification Sherloc (09022015). Collection method: clinical testing. Allele origin: germline.

Brotman Baty Institute, University of Washington
No classification provided (evidence only). Condition: Breast-ovarian cancer, familial 1. Review status: no classification provided. Collection method: in vitro. Allele origin: not applicable. Functional consequence: functionally_normal. Not counted in ClinVar's aggregate classification.
ClinVar note: "not provided" was previously submitted as the classification for the variant. However, the classification appeared to be based only on an observation of functional data so it was converted to no classification on 2025-07-30.